The following is an entry in ClinVar:

NM_032119.4(ADGRV1):c.14320C>T (p.Leu4774Phe)

Gene: ADGRV1 (adhesion G protein-coupled receptor V1; plus strand). Cytogenetic location: 5q14.3.
Variant type: single nucleotide variant.
Coding change: c.14320C>T on transcript NM_032119.4 (MANE Select); coding-DNA position 14320, C replaced by T.
Protein change: p.Leu4774Phe; replaces leucine 4774 with phenylalanine.
Molecular consequence: missense variant. On other transcripts: non-coding transcript variant (1).
Genome position (GRCh38, 1-based): chr5:90,791,149, C>T. VCF-style: chr5-90791149-C-T. GRCh37 (hg19) VCF-style: chr5-90086966-C-T.
Other names: short protein forms L4774F.
Identifiers: ClinVar variation 907577 (VCV000907577.17), dbSNP rs200685818, ClinGen allele CA3341707.
Genomic context (GRCh38, chr5:90,791,149, plus strand): 5'-GTTTATGCAAATGATGACCCACATGGAGTATTTGCCCTGTATTCGGATCGCCAGTCAATA[C>T]TTATTGGGCAGAACCTTATTAGATCCATCCAAATTAACATAACCCGGCTTGCTGGAACAT-3'
Protein context (NP_115495.3, residues 4764-4784): FALYSDRQSI[Leu4774Phe]IGQNLIRSIQ

ClinVar aggregate classification (germline): Conflicting classifications of pathogenicity. Review status: criteria provided, conflicting classifications (1 of 4 stars). 6 submissions from 6 submitters: Uncertain significance (4); Likely benign (2). Last evaluated 2026-01-28.

Conditions:
Usher syndrome type 2C. Also called: Usher syndrome, type 2B; USHER SYNDROME, TYPE IIC. Identifiers: Orphanet 231178, Orphanet 886, MedGen C2931213, MONDO:0011558, OMIM 605472.
Febrile seizures, familial, 4 (FEB4). Also called: CONVULSIONS, FAMILIAL FEBRILE, 4. Identifiers: MedGen C1858493, MONDO:0011443, OMIM 604352.
Inborn genetic diseases. Identifiers: MedGen C0950123, MeSH D030342.

Allele frequency attached by ClinVar (database versions not stated): gnomAD exomes 0.00001 and 0.00002; ExAC 0.00004; ESP Exome Variant Server 0.00008; gnomAD 0.00015; TOPMed 0.00016; 1000 Genomes Project 0.00020; 1000 Genomes Project 30x 0.00031.
gnomAD v4.1: 39 of 1,613,974 alleles (0.0024%); highest among the groups gnomAD compares: African/African-American, 0.027%; no homozygotes.

Submissions (6):

Labcorp Genetics (formerly Invitae), Labcorp
Classification: Likely benign. Last evaluated: 2026-01-28. Review status: criteria provided, single submitter. Criteria: Invitae Variant Classification Sherloc (09022015). Collection method: clinical testing. Allele origin: germline.

Ambry Genetics
Classification: Uncertain significance for Inborn genetic diseases. Last evaluated: 2025-11-26. Review status: criteria provided, single submitter. Criteria: Ambry Variant Classification Scheme 2023. Collection method: clinical testing. Allele origin: germline.

Women's Health and Genetics/Laboratory Corporation of America, LabCorp
Classification: Uncertain significance. Last evaluated: 2025-11-26. Review status: criteria provided, single submitter. Criteria: LabCorp Variant Classification Summary - May 2015. Collection method: clinical testing. Allele origin: germline.
Comment: Variant summary: ADGRV1 c.14320C>T (p.Leu4774Phe) results in a non-conservative amino acid change in the encoded protein sequence. Algorithms developed to predict the effect of missense changes on protein structure and function are either unavailable or do not agree on the potential impact of this missense change. The variant allele was found at a frequency of 2.4e-05 in 248922 control chromosomes. The available data on variant occurrences in the general population are insufficient to allow any conclusion about variant significance. c.14320C>T has been observed in an individual affected with retinitis pigmentosa without reported hearing loss (Kellner_2025). This report does not provide unequivocal conclusions about association of the variant with Usher Syndrome or other ADGRV1-related disorders. To our knowledge, no experimental evidence demonstrating an impact on protein function has been reported. The following publication has been ascertained in the context of this evaluation (PMID: 39963372). ClinVar contains an entry for this variant (Variation ID: 907577). Based on the evidence outlined above, the variant was classified as uncertain significance.

Fulgent Genetics
Classification: Uncertain significance for Febrile seizures, familial, 4; Usher syndrome type 2C. Last evaluated: 2022-01-10. Review status: criteria provided, single submitter. Criteria: ACMG Guidelines, 2015. Collection method: clinical testing. Allele origin: unknown.

Blueprint Genetics
Classification: Likely benign. Last evaluated: 2021-10-11. Review status: criteria provided, single submitter. Criteria: ACMG Guidelines, 2015. Collection method: clinical testing. Allele origin: germline.

Illumina Laboratory Services, Illumina
Classification: Uncertain significance for Usher syndrome type 2C. Last evaluated: 2018-01-13. Review status: criteria provided, single submitter. Criteria: ICSL Variant Classification Criteria 13 December 2019. Collection method: clinical testing. Allele origin: germline.

Literature cited by the submitters: PubMed 39963372 (cited by Women's Health and Genetics/Laboratory Corporation of America, LabCorp).